The following is an entry in ClinVar:

NM_001868.4(CPA1):c.586-6C>A

Gene: CPA1 (carboxypeptidase A1; plus strand). Cytogenetic location: 7q32.2.
Variant type: single nucleotide variant.
Coding change: c.586-6C>A on transcript NM_001868.4 (MANE Select); 6 bases into the intron before coding-DNA position 586, C replaced by A.
Molecular consequence: intron variant.
Genome position (GRCh38, 1-based): chr7:130,383,678, C>A. VCF-style: chr7-130383678-C-A. GRCh37 (hg19) VCF-style: chr7-130023519-C-A.
Identifiers: ClinVar variation 2878400 (VCV002878400.3), dbSNP rs575540876, ClinGen allele CA4484863.
Genomic context (GRCh38, chr7:130,383,678, plus strand): 5'-CATTGCTGTGGCTTGGCAGATGCCTGGCCCAGCCTGCGCTGCCCCTCTGCTCCTCTAACC[C>A]CCCAGATCACTCAAGACTACGGGCAGGATGCAGCTTTCACCGCCATTCTCGACACCTTGG-3'

ClinVar aggregate classification (germline): Uncertain significance (1 of 4 stars; one submission).

gnomAD v4.1: 1 of 1,609,318 alleles (0.000062%); highest among the groups gnomAD compares: East Asian, 0.0022%; no homozygotes.

Submission:

Labcorp Genetics (formerly Invitae), Labcorp
Classification: Uncertain significance. Last evaluated: 2022-11-04. Review status: criteria provided, single submitter. Criteria: Invitae Variant Classification Sherloc (09022015). Collection method: clinical testing. Allele origin: germline.
Comment: In summary, the available evidence is currently insufficient to determine the role of this variant in disease. Therefore, it has been classified as a Variant of Uncertain Significance. Algorithms developed to predict the effect of sequence changes on RNA splicing suggest that this variant may create or strengthen a splice site. This variant has not been reported in the literature in individuals affected with CPA1-related conditions. This variant is present in population databases (rs575540876, gnomAD 0.006%). This sequence change falls in intron 5 of the CPA1 gene. It does not directly change the encoded amino acid sequence of the CPA1 protein.